The following is an entry in ClinVar:

ClinVar aggregate classification (germline): Uncertain significance. Review status: criteria provided, multiple submitters, no conflicts (2 of 4 stars). 2 submissions from 2 submitters: Uncertain significance (2). Last evaluated 2025-02-19.

Conditions:
Inborn genetic diseases. Identifiers: MedGen C0950123, MeSH D030342.
Nephronophthisis 15 (NPHP15). Identifiers: Orphanet 3156, MedGen C3541853, MONDO:0013917, OMIM 614845.

Allele frequency attached by ClinVar (database versions not stated): ExAC 0.00002; gnomAD 0.00001; gnomAD exomes 0.00001; ESP Exome Variant Server 0.00008.
gnomAD v4.1: 14 of 1,613,792 alleles (0.00087%); highest among the groups gnomAD compares: Non-Finnish European, 0.00093%; no homozygotes.

Submissions (2):

Ambry Genetics
Classification: Uncertain significance for Inborn genetic diseases. Last evaluated: 2025-02-19. Review status: criteria provided, single submitter. Criteria: Ambry Variant Classification Scheme 2023. Collection method: clinical testing. Allele origin: germline.

Labcorp Genetics (formerly Invitae), Labcorp
Classification: Uncertain significance for Nephronophthisis 15. Last evaluated: 2021-11-18. Review status: criteria provided, single submitter. Criteria: Invitae Variant Classification Sherloc (09022015). Collection method: clinical testing. Allele origin: germline.
Comment: This sequence change replaces serine, which is neutral and polar, with phenylalanine, which is neutral and non-polar, at codon 1069 of the CEP164 protein (p.Ser1069Phe). This variant is present in population databases (rs142722515, gnomAD 0.0009%). This variant has not been reported in the literature in individuals affected with CEP164-related conditions. Algorithms developed to predict the effect of missense changes on protein structure and function (SIFT, PolyPhen-2, Align-GVGD) all suggest that this variant is likely to be disruptive. In summary, the available evidence is currently insufficient to determine the role of this variant in disease. Therefore, it has been classified as a Variant of Uncertain Significance.

NM_014956.5(CEP164):c.3206C>T (p.Ser1069Phe)

Gene: CEP164 (centrosomal protein 164; plus strand). Cytogenetic location: 11q23.3.
Variant type: single nucleotide variant.
Coding change: c.3206C>T on transcript NM_014956.5 (MANE Select); coding-DNA position 3206, C replaced by T.
Protein change: p.Ser1069Phe; replaces serine 1069 with phenylalanine.
Molecular consequence: missense variant.
Genome position (GRCh38, 1-based): chr11:117,396,170, C>T. VCF-style: chr11-117396170-C-T. GRCh37 (hg19) VCF-style: chr11-117266886-C-T.
Other names: c.3215C>T, p.Ser1072Phe (NM_001271933.2); c.3206C>T (NM_014956.4); short protein forms S1069F, S1072F.
Identifiers: ClinVar variation 1377114 (VCV001377114.4), dbSNP rs142722515, ClinGen allele CA6295360.